The following is an entry in ClinVar:

ClinVar aggregate classification (germline): Uncertain significance. Review status: criteria provided, multiple submitters, no conflicts (2 of 4 stars). 2 submissions from 2 submitters: Uncertain significance (2). Last evaluated 2025-08-31.

Conditions:
Inborn genetic diseases. Identifiers: MedGen C0950123, MeSH D030342.

Allele frequency attached by ClinVar (database versions not stated): ExAC 0.00001; TOPMed 0.00002; 1000 Genomes Project 0.00020; gnomAD 0.00001; 1000 Genomes Project 30x 0.00016.
gnomAD v4.1: 8 of 1,597,892 alleles (0.0005%); highest among the groups gnomAD compares: Admixed American, 0.0035%; no homozygotes.

Submissions (2):

Ambry Genetics
Classification: Uncertain significance for Inborn genetic diseases. Last evaluated: 2025-08-31. Review status: criteria provided, single submitter. Criteria: Ambry Variant Classification Scheme 2023. Collection method: clinical testing. Allele origin: germline.

GeneDx
Classification: Uncertain significance. Last evaluated: 2024-04-01. Review status: criteria provided, single submitter. Criteria: GeneDx Variant Classification Process June 2021. Collection method: clinical testing. Allele origin: germline.
Comment: Not observed at significant frequency in large population cohorts (gnomAD); In silico analysis supports that this missense variant does not alter protein structure/function; Has not been previously published as pathogenic or benign to our knowledge

NM_014991.6(WDFY3):c.522G>C (p.Gln174His)

Gene: WDFY3 (WD repeat and FYVE domain containing 3; minus strand). Cytogenetic location: 4q21.23.
Variant type: single nucleotide variant.
Coding change: c.522G>C on transcript NM_014991.6 (MANE Select); coding-DNA position 522, G replaced by C.
Protein change: p.Gln174His; replaces glutamine 174 with histidine.
Molecular consequence: missense variant.
Genome position (GRCh38, 1-based): chr4:84,836,983, C>G on the plus strand (G>C on the coding strand, the complement: WDFY3 is on the minus strand). VCF-style: chr4-84836983-C-G. GRCh37 (hg19) VCF-style: chr4-85758136-C-G.
Other names: short protein forms Q174H.
Identifiers: ClinVar variation 2662782 (VCV002662782.3), dbSNP rs182782213, ClinGen allele CA2994157.